The following is an entry in ClinVar:

NM_003072.5(SMARCA4):c.2132A>T (p.Lys711Met)

Gene: SMARCA4 (SWI/SNF related BAF chromatin remodeling complex subunit ATPase 4; plus strand). Cytogenetic location: 19p13.2.
Variant type: single nucleotide variant.
Coding change: c.2132A>T on transcript NM_003072.5 (MANE Select); coding-DNA position 2132, A replaced by T.
Protein change: p.Lys711Met; replaces lysine 711 with methionine.
Molecular consequence: missense variant. On other transcripts: non-coding transcript variant (1).
Genome position (GRCh38, 1-based): chr19:11,010,389, A>T. VCF-style: chr19-11010389-A-T. GRCh37 (hg19) VCF-style: chr19-11121065-A-T.
Other names: c.2132A>T, p.Lys711Met (NM_001128844.3, NM_001128845.2, NM_001128846.2 and 4 more transcripts); short protein forms K711M.
Identifiers: ClinVar variation 954232 (VCV000954232.9), dbSNP rs1555773235, ClinGen allele CA404052664.

ClinVar aggregate classification (germline): Uncertain significance (1 of 4 stars; one submission).

Conditions:
Rhabdoid tumor predisposition syndrome 2 (RTPS2). Identifiers: Orphanet 231108, Orphanet 69077, MedGen C2750074, MONDO:0013224, OMIM 613325.

Submission:

Labcorp Genetics (formerly Invitae), Labcorp
Classification: Uncertain significance for Rhabdoid tumor predisposition syndrome 2. Last evaluated: 2019-09-23. Review status: criteria provided, single submitter. Criteria: Invitae Variant Classification Sherloc (09022015). Collection method: clinical testing. Allele origin: germline.
Comment: In summary, the available evidence is currently insufficient to determine the role of this variant in disease. Therefore, it has been classified as a Variant of Uncertain Significance. Algorithms developed to predict the effect of missense changes on protein structure and function are either unavailable or do not agree on the potential impact of this missense change (SIFT: "Deleterious"; PolyPhen-2: "Possibly Damaging"; Align-GVGD: "Class C0"). This variant has not been reported in the literature in individuals with SMARCA4-related conditions. This variant is not present in population databases (ExAC no frequency). This sequence change replaces lysine with methionine at codon 711 of the SMARCA4 protein (p.Lys711Met). The lysine residue is highly conserved and there is a moderate physicochemical difference between lysine and methionine.